The following is an entry in ClinVar:

NM_006416.5(SLC35A1):c.757G>C (p.Ala253Pro)

Gene: SLC35A1 (solute carrier family 35 member A1; plus strand). Cytogenetic location: 6q15.
Variant type: single nucleotide variant.
Coding change: c.757G>C on transcript NM_006416.5 (MANE Select); coding-DNA position 757, G replaced by C.
Protein change: p.Ala253Pro; replaces alanine 253 with proline.
Molecular consequence: missense variant.
Genome position (GRCh38, 1-based): chr6:87,509,046, G>C. VCF-style: chr6-87509046-G-C. GRCh37 (hg19) VCF-style: chr6-88218764-G-C.
Other names: c.580G>C, p.Ala194Pro (NM_001168398.2); short protein forms A253P, A194P.
Identifiers: ClinVar variation 468943 (VCV000468943.8), dbSNP rs1484245900, ClinGen allele CA364914692.

ClinVar aggregate classification (germline): Uncertain significance (1 of 4 stars; one submission).

Conditions:
SLC35A1-congenital disorder of glycosylation. Also called: CONGENITAL DISORDER OF GLYCOSYLATION, TYPE IIf; CDG IIf; SLC35A1-CDG. Identifiers: Orphanet 238459, MedGen C1970344, MONDO:0011342, OMIM 603585.

gnomAD v4.1: 1 of 1,613,780 alleles (0.000062%); highest among the groups gnomAD compares: South Asian, 0.0011%; no homozygotes.

Submission:

Labcorp Genetics (formerly Invitae), Labcorp
Classification: Uncertain significance for SLC35A1-congenital disorder of glycosylation. Last evaluated: 2022-08-09. Review status: criteria provided, single submitter. Criteria: Invitae Variant Classification Sherloc (09022015). Collection method: clinical testing. Allele origin: germline.
Comment: This sequence change replaces alanine, which is neutral and non-polar, with proline, which is neutral and non-polar, at codon 253 of the SLC35A1 protein (p.Ala253Pro). This variant is not present in population databases (gnomAD no frequency). This missense change has been observed in individual(s) with clinical features of SLC35A1-related conditions (Invitae). ClinVar contains an entry for this variant (Variation ID: 468943). Algorithms developed to predict the effect of missense changes on protein structure and function (SIFT, PolyPhen-2, Align-GVGD) all suggest that this variant is likely to be tolerated. In summary, the available evidence is currently insufficient to determine the role of this variant in disease. Therefore, it has been classified as a Variant of Uncertain Significance.